The following is an entry in ClinVar:

NM_000492.4(CFTR):c.2617G>A (p.Glu873Lys)

Gene: CFTR (CF transmembrane conductance regulator; plus strand). Cytogenetic location: 7q31.2.
Variant type: single nucleotide variant.
Coding change: c.2617G>A on transcript NM_000492.4 (MANE Select); coding-DNA position 2617, G replaced by A.
Protein change: p.Glu873Lys; replaces glutamic acid 873 with lysine.
Molecular consequence: missense variant.
Genome position (GRCh38, 1-based): chr7:117,595,056, G>A. VCF-style: chr7-117595056-G-A. GRCh37 (hg19) VCF-style: chr7-117235110-G-A.
Other names: short protein forms E873K.
Identifiers: ClinVar variation 1793878 (VCV001793878.2), dbSNP rs1792100143, ClinGen allele CA368984093.

ClinVar aggregate classification (germline): Uncertain significance (1 of 4 stars; one submission).

Conditions:
Cystic fibrosis (CF). Also called: MUCOVISCIDOSIS. Identifiers: Orphanet 586, MedGen C0010674, MONDO:0009061, OMIM 219700. Disease mechanism: loss of function.

Allele frequency attached by ClinVar (database versions not stated): TOPMed below 0.00001.

Submission:

Ambry Genetics
Classification: Uncertain significance for Cystic fibrosis. Last evaluated: 2022-08-30. Review status: criteria provided, single submitter. Criteria: Ambry Variant Classification Scheme 2023. Collection method: clinical testing. Allele origin: germline.
Comment: The p.E873K variant (also known as c.2617G>A), located in coding exon 15 of the CFTR gene, results from a G to A substitution at nucleotide position 2617. The glutamic acid at codon 873 is replaced by lysine, an amino acid with similar properties. This amino acid position is conserved. In addition, this alteration is predicted to be deleterious by in silico analysis. Since supporting evidence is limited at this time, the clinical significance of this alteration remains unclear.